The following is an entry in ClinVar:

ClinVar aggregate classification (germline): Uncertain significance. Review status: criteria provided, multiple submitters, no conflicts (2 of 4 stars). 2 submissions from 2 submitters: Uncertain significance (2). Last evaluated 2025-08-25.

Conditions:
Renal coloboma syndrome (PAPRS). Also called: CAKUT WITH OR WITHOUT OCULAR ABNORMALITIES; CONGENITAL ANOMALIES OF THE KIDNEY AND URINARY TRACT WITH OR WITHOUT OCULAR ABNORMALITIES; OPTIC COLOBOMA, VESICOURETERAL REFLUX, AND RENAL ANOMALIES; OPTIC NERVE COLOBOMA WITH RENAL DISEASE; RENAL-COLOBOMA SYNDROME WITH MACULAR ABNORMALITIES; PAPILLORENAL SYNDROME WITH MILD OCULAR ABNORMALITIES. Identifiers: Orphanet 1475, MedGen C1852759, MONDO:0007352, OMIM 120330.
Focal segmental glomerulosclerosis 7 (FSGS7). Identifiers: Orphanet 656, MedGen C4014925, MONDO:0014451, OMIM 616002.

Allele frequency attached by ClinVar (database versions not stated): ExAC 0.00002; gnomAD exomes 0.00001 and 0.00002; gnomAD 0.00002; ESP Exome Variant Server 0.00015.
gnomAD v4.1: 26 of 1,610,546 alleles (0.0016%); highest among the groups gnomAD compares: African/African-American, 0.0027%; no homozygotes.

Submissions (2):

Labcorp Genetics (formerly Invitae), Labcorp
Classification: Uncertain significance for Renal coloboma syndrome; Focal segmental glomerulosclerosis 7. Last evaluated: 2025-08-25. Review status: criteria provided, single submitter. Criteria: Invitae Variant Classification Sherloc (09022015). Collection method: clinical testing. Allele origin: germline.
Comment: This sequence change replaces glycine, which is neutral and non-polar, with serine, which is neutral and polar, at codon 326 of the PAX2 protein (p.Gly326Ser). This variant is present in population databases (rs375804552, gnomAD 0.007%). This variant has not been reported in the literature in individuals affected with PAX2-related conditions. ClinVar contains an entry for this variant (Variation ID: 1063392). An algorithm developed to predict the effect of missense changes on protein structure and function (PolyPhen-2) suggests that this variant is likely to be disruptive. In summary, the available evidence is currently insufficient to determine the role of this variant in disease. Therefore, it has been classified as a Variant of Uncertain Significance.

GeneDx
Classification: Uncertain significance. Last evaluated: 2019-07-17. Review status: criteria provided, single submitter. Criteria: GeneDx Variant Classification Process June 2021. Collection method: clinical testing. Allele origin: germline. Affected: yes.
Comment: In silico analysis, which includes protein predictors and evolutionary conservation, supports a deleterious effect; Has not been previously published as pathogenic or benign to our knowledge

NM_000278.5(PAX2):c.976G>A (p.Gly326Ser)

Gene: PAX2 (paired box 2; plus strand). Cytogenetic location: 10q24.31.
Variant type: single nucleotide variant.
Coding change: c.976G>A on transcript NM_000278.5 (MANE Select); coding-DNA position 976, G replaced by A.
Protein change: p.Gly326Ser; replaces glycine 326 with serine.
Molecular consequence: missense variant.
Genome position (GRCh38, 1-based): chr10:100,824,704, G>A. VCF-style: chr10-100824704-G-A. GRCh37 (hg19) VCF-style: chr10-102584461-G-A.
Other names: c.1069G>A, p.Gly357Ser (NM_001304569.2); c.1045G>A, p.Gly349Ser (NM_003987.5, NM_003990.5); c.976G>A, p.Gly326Ser (NM_003988.5, NM_003989.5); short protein forms G326S, G349S, G357S.
Identifiers: ClinVar variation 1063392 (VCV001063392.9), dbSNP rs375804552, ClinGen allele CA5650928.